The following is an entry in ClinVar:

ClinVar aggregate classification (germline): Uncertain significance. Review status: criteria provided, multiple submitters, no conflicts (2 of 4 stars). 3 submissions from 3 submitters: Uncertain significance (3). Last evaluated 2024-03-05.

Conditions:
Familial thoracic aortic aneurysm and aortic dissection (TAAD). Also called: Thoracic aortic aneurysms and dissections. Identifiers: Orphanet 91387, MedGen C4707243, MONDO:0019625.
Marfan syndrome (MFS). Also called: Marfan syndrome type 1; Marfan syndrome, classic; Marfan's syndrome; FBN1-Related Marfan Syndrome; MARFAN SYNDROME, TYPE I. Identifiers: Orphanet 284963, Orphanet 558, MedGen C0024796, MONDO:0007947, OMIM 154700.

Allele frequency attached by ClinVar (database versions not stated): gnomAD exomes below 0.00001; ExAC 0.00001; TOPMed 0.00003.
gnomAD v4.1: 2 of 1,614,252 alleles (0.00012%); highest among the groups gnomAD compares: Admixed American, 0.0033%; no homozygotes.

Submissions (3):

All of Us Research Program, National Institutes of Health
Classification: Uncertain significance for Marfan syndrome. Last evaluated: 2024-03-05. Review status: criteria provided, single submitter. Criteria: ACMG Guidelines, 2015. Collection method: clinical testing. Allele origin: germline. Inheritance: Autosomal dominant inheritance. Observed: 1 variant allele, 1 heterozygote.
Comment: This missense variant replaces valine with isoleucine at codon 2701 of the FBN1 protein. Computational prediction tools and conservation analyses are inconclusive regarding the impact of this variant on the protein function. Computational splicing tools suggest that this variant may not impact RNA splicing. To our knowledge, functional assays have not been performed for this variant nor has this variant been reported in individuals affected with cardiovascular disorders in the literature. This variant has been identified in 1/251438 chromosomes in the general population by the Genome Aggregation Database (gnomAD). Available evidence is insufficient to determine the role of this variant in disease conclusively. Therefore, this variant is classified as a Variant of Uncertain Significance.

This study involves interpretation of variants in research participants for the purpose of population health screening. Participant phenotype was not available at the time of variant classification. Additional details can be found in publication PMID: 35346344, PMCID: PMC8962531

Color Diagnostics, LLC DBA Color Health
Classification: Uncertain significance for Familial thoracic aortic aneurysm and aortic dissection. Last evaluated: 2023-12-05. Review status: criteria provided, single submitter. Criteria: ACMG Guidelines, 2015. Collection method: clinical testing. Allele origin: germline.
Comment: This missense variant replaces valine with isoleucine at codon 2701 of the FBN1 protein. Computational prediction tools and conservation analyses are inconclusive regarding the impact of this variant on the protein function. Computational splicing tools suggest that this variant may not impact RNA splicing. To our knowledge, functional assays have not been performed for this variant nor has this variant been reported in individuals affected with cardiovascular disorders in the literature. This variant has been identified in 1/251438 chromosomes in the general population by the Genome Aggregation Database (gnomAD). Available evidence is insufficient to determine the role of this variant in disease conclusively. Therefore, this variant is classified as a Variant of Uncertain Significance.

Labcorp Genetics (formerly Invitae), Labcorp
Classification: Uncertain significance for Marfan syndrome; Familial thoracic aortic aneurysm and aortic dissection. Last evaluated: 2017-12-11. Review status: criteria provided, single submitter. Criteria: Invitae Variant Classification Sherloc (09022015). Collection method: clinical testing. Allele origin: germline.
Comment: In summary, the available evidence is currently insufficient to determine the role of this variant in disease. Therefore, it has been classified as a Variant of Uncertain Significance. Algorithms developed to predict the effect of missense changes on protein structure and function (SIFT, PolyPhen-2, Align-GVGD) all suggest that this variant is likely to be tolerated, but these predictions have not been confirmed by published functional studies and their clinical significance is uncertain. This variant has not been reported in the literature in individuals with FBN1-related disease. This variant is present in population databases (rs753925682, ExAC 0.009%). This sequence change replaces valine with isoleucine at codon 2701 of the FBN1 protein (p.Val2701Ile). The valine residue is weakly conserved and there is a small physicochemical difference between valine and isoleucine.

NM_000138.5(FBN1):c.8101G>A (p.Val2701Ile)

Gene: FBN1 (fibrillin 1; minus strand). Cytogenetic location: 15q21.1.
Variant type: single nucleotide variant.
Coding change: c.8101G>A on transcript NM_000138.5 (MANE Select); coding-DNA position 8101, G replaced by A.
Protein change: p.Val2701Ile; replaces valine 2701 with isoleucine.
Molecular consequence: missense variant.
Genome position (GRCh38, 1-based): chr15:48,412,694, C>T on the plus strand (G>A on the coding strand, the complement: FBN1 is on the minus strand). VCF-style: chr15-48412694-C-T. GRCh37 (hg19) VCF-style: chr15-48704891-C-T.
Other names: short protein forms V2701I.
Identifiers: ClinVar variation 527167 (VCV000527167.14), dbSNP rs753925682, ClinGen allele CA059624.